The following is an entry in ClinVar:

NM_000053.4(ATP7B):c.2388_2389del (p.Met796fs)

Gene: ATP7B (ATPase copper transporting beta; minus strand). Cytogenetic location: 13q14.3.
Variant type: Deletion.
Coding change: c.2388_2389del on transcript NM_000053.4 (MANE Select); coding-DNA positions 2388 to 2389, 2 bases deleted (GT; older notation c.2388_2389delGT).
Protein change: p.Met796fs; shifts the reading frame from methionine 796.
Molecular consequence: frameshift variant.
Genome position (GRCh38, 1-based): chr13:51,957,574-51,957,575, AC deleted on the plus strand (GT on the coding strand, the reverse complement: ATP7B is on the minus strand); deleting any 2 consecutive bases within chr13:51,957,574-51,957,576 gives the same sequence; the c. name uses the placement nearest the transcript's 3' end. VCF-style (leftmost placement, unchanged base first): chr13-51957573-GAC-G. GRCh37 (hg19) VCF-style: chr13-52531709-GAC-G.
Other names: c.1902_1903del, p.Met634fs (NM_001005918.3); c.2055_2056del, p.Met685fs (NM_001243182.2); c.2154_2155del, p.Met718fs (NM_001330578.2); c.2136_2137del, p.Met712fs (NM_001330579.2); short protein forms M634fs, M685fs, M712fs, M718fs, M796fs.
Identifiers: ClinVar variation 1217277 (VCV001217277.1), dbSNP rs2139503242, ClinGen allele CA2499222480.
Genomic context (GRCh38, chr13:51,957,573, plus strand): 5'-CACCTGATGATTAAATTGTCCTCACCAAGGGTCACAACGGTGGCTTCTGTGGCTTGGAGA[GAC>G]ATGAGTTTAGCCAGGGCTTCTGAGGTTTTGCTCTAGGAAATAACCAGAATGTGAAATGAG-3'

ClinVar aggregate classification (germline): Likely pathogenic (1 of 4 stars; one submission).

Conditions:
Wilson disease (WND). Also called: Wilson's disease. Identifiers: Orphanet 905, MedGen C0019202, MONDO:0010200, OMIM 277900. Disease mechanism: loss of function.

Submission:

Women's Health and Genetics/Laboratory Corporation of America, LabCorp
Classification: Likely pathogenic for Wilson disease. Last evaluated: 2021-08-26. Review status: criteria provided, single submitter. Criteria: LabCorp Variant Classification Summary - May 2015. Collection method: clinical testing. Allele origin: germline.
Comment: Variant summary: ATP7B c.2388_2389delGT (p.Met796IlefsX14) results in a premature termination codon, predicted to cause a truncation of the encoded protein or absence of the protein due to nonsense mediated decay, which are commonly known mechanisms for disease. Truncations downstream of this position have been classified as pathogenic by our laboratory. The variant was absent in 249506 control chromosomes (gnomAD). To our knowledge, no occurrence of c.2388_2389delGT in individuals affected with Wilson Disease and no experimental evidence demonstrating its impact on protein function have been reported. No clinical diagnostic laboratories have submitted clinical-significance assessments for this variant to ClinVar after 2014. Based on the evidence outlined above, the variant was classified as likely pathogenic.